The following is an entry in ClinVar:

NM_001429.4(EP300):c.2249G>A (p.Gly750Asp)

Gene: EP300 (EP300 lysine acetyltransferase; plus strand). Cytogenetic location: 22q13.2.
Variant type: single nucleotide variant.
Coding change: c.2249G>A on transcript NM_001429.4 (MANE Select); coding-DNA position 2249, G replaced by A.
Protein change: p.Gly750Asp; replaces glycine 750 with aspartic acid.
Molecular consequence: missense variant.
Genome position (GRCh38, 1-based): chr22:41,149,045, G>A. VCF-style: chr22-41149045-G-A. GRCh37 (hg19) VCF-style: chr22-41545049-G-A.
Other names: c.2171G>A, p.Gly724Asp (NM_001362843.2); short protein forms G724D, G750D.
Identifiers: ClinVar variation 1305880 (VCV001305880.4), dbSNP rs1433543827, ClinGen allele CA411690384.
Genomic context (GRCh38, chr22:41,149,045, plus strand): 5'-TAGAATAACTATAATGAAGCAGTTTGGTGATTTGTGTTTTTTTTTTTTTTCAGCCTATGG[G>A]CTATGGGCCTCGTATGCAACAGCCTTCCAACCAGGGCCAGTTCCTTCCTCAGACTCAGTT-3'
Protein context (NP_001420.2, residues 740-760): AQPGALNPPM[Gly750Asp]YGPRMQQPSN

ClinVar aggregate classification (germline): Conflicting classifications of pathogenicity. Review status: criteria provided, conflicting classifications (1 of 4 stars). 2 submissions from 2 submitters: Uncertain significance (1); Likely benign (1). Last evaluated 2025-08-17.

Conditions:
Rubinstein-Taybi syndrome due to EP300 haploinsufficiency. Also called: RUBINSTEIN-TAYBI SYNDROME 2; EP300-Related Rubinstein-Taybi Syndrome. Identifiers: Orphanet 353284, Orphanet 783, MedGen C3150941, MONDO:0013364, OMIM 613684.

Allele frequency attached by ClinVar (database versions not stated): gnomAD exomes below 0.00001.
gnomAD v4.1: 2 of 1,612,900 alleles (0.00012%); highest among the groups gnomAD compares: Admixed American, 0.0033%; no homozygotes.

Submissions (2):

Labcorp Genetics (formerly Invitae), Labcorp
Classification: Likely benign for Rubinstein-Taybi syndrome due to EP300 haploinsufficiency. Last evaluated: 2025-08-17. Review status: criteria provided, single submitter. Criteria: Invitae Variant Classification Sherloc (09022015). Collection method: clinical testing. Allele origin: germline.

GeneDx
Classification: Uncertain significance. Last evaluated: 2019-05-20. Review status: criteria provided, single submitter. Criteria: GeneDx Variant Classification Process June 2021. Collection method: clinical testing. Allele origin: germline. Affected: yes.
Comment: In silico analysis, which includes protein predictors and evolutionary conservation, supports a deleterious effect; Has not been previously published as pathogenic or benign to our knowledge